The following is an entry in ClinVar:

NM_024408.4(NOTCH2):c.3244A>G (p.Lys1082Glu)

Gene: NOTCH2 (notch receptor 2; minus strand). Cytogenetic location: 1p12.
Variant type: single nucleotide variant.
Coding change: c.3244A>G on transcript NM_024408.4 (MANE Select); coding-DNA position 3244, A replaced by G.
Protein change: p.Lys1082Glu; replaces lysine 1082 with glutamic acid.
Molecular consequence: missense variant.
Genome position (GRCh38, 1-based): chr1:119,937,950, T>C on the plus strand (A>G on the coding strand, the complement: NOTCH2 is on the minus strand). VCF-style: chr1-119937950-T-C. GRCh37 (hg19) VCF-style: chr1-120480573-T-C.
Other names: c.3244A>G, p.Lys1082Glu (NM_001200001.2); short protein forms K1082E.
Identifiers: ClinVar variation 2908548 (VCV002908548.3), dbSNP rs2526193058, ClinGen allele CA341852826.

ClinVar aggregate classification (germline): Uncertain significance (1 of 4 stars; one submission).

Conditions:
Hajdu-Cheney syndrome (HJCYS). Also called: SERPENTINE FIBULA-POLYCYSTIC KIDNEY SYNDROME; ACROOSTEOLYSIS WITH OSTEOPOROSIS AND CHANGES IN SKULL AND MANDIBLE; Acroosteolysis dominant type. Identifiers: Orphanet 955, MedGen C0917715, MONDO:0007057, OMIM 102500.

Allele frequency attached by ClinVar (database versions not stated): gnomAD exomes below 0.00001.
gnomAD v4.1: 1 of 1,614,190 alleles (0.000062%); highest among the groups gnomAD compares: Admixed American, 0.0017%; no homozygotes.

Submission:

Labcorp Genetics (formerly Invitae), Labcorp
Classification: Uncertain significance for Hajdu-Cheney syndrome. Last evaluated: 2023-09-22. Review status: criteria provided, single submitter. Criteria: Invitae Variant Classification Sherloc (09022015). Collection method: clinical testing. Allele origin: germline.
Comment: In summary, the available evidence is currently insufficient to determine the role of this variant in disease. Therefore, it has been classified as a Variant of Uncertain Significance. Advanced modeling of protein sequence and biophysical properties (such as structural, functional, and spatial information, amino acid conservation, physicochemical variation, residue mobility, and thermodynamic stability) performed at Invitae indicates that this missense variant is not expected to disrupt NOTCH2 protein function. This variant has not been reported in the literature in individuals affected with NOTCH2-related conditions. This variant is not present in population databases (gnomAD no frequency). This sequence change replaces lysine, which is basic and polar, with glutamic acid, which is acidic and polar, at codon 1082 of the NOTCH2 protein (p.Lys1082Glu).